The following is an entry in ClinVar:

NM_016222.4(DDX41):c.1727T>G (p.Ile576Ser)

Gene: DDX41 (DEAD-box helicase 41; minus strand). Cytogenetic location: 5q35.3.
Variant type: single nucleotide variant.
Coding change: c.1727T>G on transcript NM_016222.4 (MANE Select); coding-DNA position 1727, T replaced by G.
Protein change: p.Ile576Ser; replaces isoleucine 576 with serine.
Molecular consequence: missense variant.
Genome position (GRCh38, 1-based): chr5:177,512,101, A>C on the plus strand (T>G on the coding strand, the complement: DDX41 is on the minus strand). VCF-style: chr5-177512101-A-C. GRCh37 (hg19) VCF-style: chr5-176939102-A-C.
Other names: c.1349T>G, p.Ile450Ser (NM_001321732.2, NM_001321830.2); short protein forms I450S, I576S.
Identifiers: ClinVar variation 4726109 (VCV004726109.1).

ClinVar aggregate classification (germline): Uncertain significance (1 of 4 stars; one submission).

Submission:

Labcorp Genetics (formerly Invitae), Labcorp
Classification: Uncertain significance. Last evaluated: 2025-12-22. Review status: criteria provided, single submitter. Criteria: Invitae Variant Classification Sherloc (09022015). Collection method: clinical testing. Allele origin: germline.
Comment: This sequence change replaces isoleucine, which is neutral and non-polar, with serine, which is neutral and polar, at codon 576 of the DDX41 protein (p.Ile576Ser). This variant is not present in population databases (gnomAD no frequency). This variant has not been reported in the literature in individuals affected with DDX41-related conditions. An algorithm developed to predict the effect of missense changes on protein structure and function (PolyPhen-2) suggests that this variant is likely to be disruptive. In summary, the available evidence is currently insufficient to determine the role of this variant in disease. Therefore, it has been classified as a Variant of Uncertain Significance.